The following is an entry in ClinVar:

ClinVar aggregate classification (germline): Uncertain significance. Review status: criteria provided, multiple submitters, no conflicts (2 of 4 stars). 4 submissions from 4 submitters: Uncertain significance (4). Last evaluated 2026-04-09.

Conditions:
MYO15A-related disorder. Also called: MYO15A-related condition.
Inborn genetic diseases. Identifiers: MedGen C0950123, MeSH D030342.

Allele frequency attached by ClinVar (database versions not stated): gnomAD exomes 0.00002; TOPMed 0.00003; gnomAD 0.00006; ExAC 0.00008; ESP Exome Variant Server 0.00008.

Submissions (4):

PreventionGenetics, part of Exact Sciences
Classification: Uncertain significance for MYO15A-related condition. Last evaluated: 2026-04-09. Review status: criteria provided, single submitter. Criteria: ACMG Guidelines, 2015. Collection method: clinical testing. Allele origin: germline.
Comment: The MYO15A c.9401G>A variant is predicted to result in the amino acid substitution p.Arg3134Gln. To our knowledge, this variant has not been reported in the literature. This variant is reported in 0.014% of alleles in individuals of Latino descent in gnomAD. At this time, the clinical significance of this variant is uncertain due to the absence of conclusive functional and genetic evidence.

Ambry Genetics
Classification: Uncertain significance for Inborn genetic diseases. Last evaluated: 2024-08-15. Review status: criteria provided, single submitter. Criteria: Ambry Variant Classification Scheme 2023. Collection method: clinical testing. Allele origin: germline.

Blueprint Genetics
Classification: Uncertain significance. Last evaluated: 2024-03-15. Review status: criteria provided, single submitter. Criteria: ACMG Guidelines, 2015. Collection method: clinical testing. Allele origin: germline.

GeneDx
Classification: Uncertain significance. Last evaluated: 2022-06-01. Review status: criteria provided, single submitter. Criteria: GeneDx Variant Classification Process June 2021. Collection method: clinical testing. Allele origin: germline. Affected: yes.
Comment: In silico analysis supports that this missense variant has a deleterious effect on protein structure/function; Has not been previously published as pathogenic or benign to our knowledge

NM_016239.4(MYO15A):c.9401G>A (p.Arg3134Gln)

Genes: MYO15A (myosin XVA; plus strand), LOC130060418 (ATAC-STARR-seq lymphoblastoid active region 11828; plus strand). Cytogenetic location: 17p11.2.
Variant type: single nucleotide variant.
Coding change: c.9401G>A on transcript NM_016239.4 (MANE Select); coding-DNA position 9401, G replaced by A.
Protein change: p.Arg3134Gln; replaces arginine 3134 with glutamine.
Molecular consequence: missense variant.
Genome position (GRCh38, 1-based): chr17:18,161,331, G>A. VCF-style: chr17-18161331-G-A. GRCh37 (hg19) VCF-style: chr17-18064645-G-A.
Other names: short protein forms R3134Q.
Identifiers: ClinVar variation 1802037 (VCV001802037.4), dbSNP rs373695303, ClinGen allele CA8425550.